The following is an entry in ClinVar:

NM_178813.6(AKAP14):c.442-7T>G

Gene: AKAP14 (A-kinase anchoring protein 14; plus strand). Cytogenetic location: Xq24.
Variant type: single nucleotide variant.
Coding change: c.442-7T>G on transcript NM_178813.6 (MANE Select); 7 bases into the intron before coding-DNA position 442, T replaced by G.
Molecular consequence: intron variant.
Genome position (GRCh38, 1-based): chrX:119,919,904, T>G. VCF-style: chrX-119919904-T-G. GRCh37 (hg19) VCF-style: chrX-119053867-T-G.
Other names: c.262-7T>G (NM_001008534.2).
Identifiers: ClinVar variation 3053682 (VCV003053682.2), dbSNP rs186785902, ClinGen allele CA10503667.

ClinVar aggregate classification (germline): Benign (0 of 4 stars; one submission).

Conditions:
AKAP14-related disorder. Also called: AKAP14-related condition.

Allele frequency attached by ClinVar (database versions not stated): ESP Exome Variant Server 0.00028; gnomAD exomes 0.00052; gnomAD 0.00093; TOPMed 0.00165; ExAC 0.00188; 1000 Genomes Project 0.00318; 1000 Genomes Project 30x 0.00395.
gnomAD v4.1: 684 of 1,207,631 alleles (0.057%); highest among the groups gnomAD compares: Admixed American, 1.4%; 7 homozygotes.

Submission:

PreventionGenetics, part of Exact Sciences
Classification: Benign for AKAP14-related condition. Last evaluated: 2022-10-03. Review status: no assertion criteria provided. Collection method: clinical testing. Allele origin: germline.
Comment: This variant is classified as benign based on ACMG/AMP sequence variant interpretation guidelines (Richards et al. 2015 PMID: 25741868, with internal and published modifications).